The following is an entry in ClinVar:

NM_005902.4(SMAD3):c.985G>A (p.Ala329Thr)

Gene: SMAD3 (SMAD family member 3; plus strand). Cytogenetic location: 15q22.33.
Variant type: single nucleotide variant.
Coding change: c.985G>A on transcript NM_005902.4 (MANE Select); coding-DNA position 985, G replaced by A.
Protein change: p.Ala329Thr; replaces alanine 329 with threonine.
Molecular consequence: missense variant. On other transcripts: intron variant (1).
Genome position (GRCh38, 1-based): chr15:67,184,840, G>A. VCF-style: chr15-67184840-G-A. GRCh37 (hg19) VCF-style: chr15-67477178-G-A.
Other names: c.670G>A, p.Ala224Thr (NM_001145102.2, NM_001407016.1); c.853G>A, p.Ala285Thr (NM_001145103.2, NM_001407012.1); c.400G>A, p.Ala134Thr (NM_001145104.2, NM_001407017.1); c.985G>A, p.Ala329Thr (NM_001407011.1); c.838G>A, p.Ala280Thr (NM_001407014.1); c.538G>A, p.Ala180Thr (NM_001407015.1); c.872-2525G>A (NM_001407013.1); short protein forms A134T, A180T, A224T, A280T, A285T, A329T.
Identifiers: ClinVar variation 5017062 (VCV005017062.1).

ClinVar aggregate classification (germline): Uncertain significance (1 of 4 stars; one submission).

Submission:

GeneDx
Classification: Uncertain significance. Last evaluated: 2026-03-24. Review status: criteria provided, single submitter. Criteria: GeneDx Variant Classification Process June 2021. Collection method: clinical testing. Allele origin: germline.
Comment: Not observed at significant frequency in large population cohorts (gnomAD); In silico analysis supports that this missense variant has a deleterious effect on protein structure/function; Has not been previously published as pathogenic or benign to our knowledge